The following is an entry in ClinVar:

ClinVar aggregate classification (germline): Uncertain significance. Review status: criteria provided, multiple submitters, no conflicts (2 of 4 stars). 2 submissions from 2 submitters: Uncertain significance (2). Last evaluated 2026-01-09.

Conditions:
Lowe syndrome (OCRL). Also called: LOWE OCULOCEREBRORENAL SYNDROME; PHOSPHATIDYLINOSITOL 4,5-BISPHOSPHATE 5-PHOSPHATASE DEFICIENCY; Oculocerebrorenal Syndrome. Identifiers: Orphanet 534, MedGen C0028860, MONDO:0010645, OMIM 309000.
Nephrolithiasis/nephrocalcinosis. Identifiers: MedGen CN580796.

gnomAD v4.1: 12 of 1,211,435 alleles (0.00099%); highest among the groups gnomAD compares: East Asian, 0.003%; no homozygotes.

Submissions (2):

Ambry Genetics
Classification: Uncertain significance for Nephrolithiasis/nephrocalcinosis. Last evaluated: 2026-01-09. Review status: criteria provided, single submitter. Criteria: Ambry Variant Classification Scheme 2023. Collection method: clinical testing. Allele origin: germline.
Comment: The c.2456G>A (p.R819Q) alteration is located in exon 22 (coding exon 22) of the OCRL gene. This alteration results from a G to A substitution at nucleotide position 2456, causing the arginine (R) at amino acid position 819 to be replaced by a glutamine (Q). Based on data from gnomAD, the A allele has an overall frequency of <0.001% (0/182879) total alleles studied. The highest observed frequency was <0.001% (/) of alleles. Based on insufficient or conflicting evidence, the clinical significance of this alteration remains unclear.

Labcorp Genetics (formerly Invitae), Labcorp
Classification: Uncertain significance for Lowe syndrome. Last evaluated: 2024-04-20. Review status: criteria provided, single submitter. Criteria: Invitae Variant Classification Sherloc (09022015). Collection method: clinical testing. Allele origin: germline.
Comment: This sequence change replaces arginine, which is basic and polar, with glutamine, which is neutral and polar, at codon 819 of the OCRL protein (p.Arg819Gln). This variant is not present in population databases (gnomAD no frequency). This variant has not been reported in the literature in individuals affected with OCRL-related conditions. Advanced modeling of protein sequence and biophysical properties (such as structural, functional, and spatial information, amino acid conservation, physicochemical variation, residue mobility, and thermodynamic stability) performed at Invitae indicates that this missense variant is not expected to disrupt OCRL protein function with a negative predictive value of 95%. In summary, the available evidence is currently insufficient to determine the role of this variant in disease. Therefore, it has been classified as a Variant of Uncertain Significance.

NM_000276.4(OCRL):c.2456G>A (p.Arg819Gln)

Gene: OCRL (OCRL inositol polyphosphate-5-phosphatase; plus strand). Cytogenetic location: Xq26.1.
Variant type: single nucleotide variant.
Coding change: c.2456G>A on transcript NM_000276.4 (MANE Select); coding-DNA position 2456, G replaced by A.
Protein change: p.Arg819Gln; replaces arginine 819 with glutamine.
Molecular consequence: missense variant.
Genome position (GRCh38, 1-based): chrX:129,589,000, G>A. VCF-style: chrX-129589000-G-A. GRCh37 (hg19) VCF-style: chrX-128722977-G-A.
Other names: c.2459G>A, p.Arg820Gln (NM_001318784.2); c.2432G>A, p.Arg811Gln (NM_001587.4); c.2456G>A (NM_000276.3); short protein forms R811Q, R819Q, R820Q.
Identifiers: ClinVar variation 3628987 (VCV003628987.3).